The following is an entry in ClinVar:

NM_001123385.2(BCOR):c.112G>A (p.Ala38Thr)

Gene: BCOR (BCL6 corepressor; minus strand). Cytogenetic location: Xp11.4.
Variant type: single nucleotide variant.
Coding change: c.112G>A on transcript NM_001123385.2 (MANE Select); coding-DNA position 112, G replaced by A.
Protein change: p.Ala38Thr; replaces alanine 38 with threonine.
Molecular consequence: missense variant.
Genome position (GRCh38, 1-based): chrX:40,076,507, C>T on the plus strand (G>A on the coding strand, the complement: BCOR is on the minus strand). VCF-style: chrX-40076507-C-T. GRCh37 (hg19) VCF-style: chrX-39935760-C-T.
Other names: c.112G>A, p.Ala38Thr (NM_001123383.2, NM_001123384.2, NM_017745.6); short protein forms A38T.
Identifiers: ClinVar variation 2585518 (VCV002585518.1), dbSNP rs745470688, ClinGen allele CA10387093.

ClinVar aggregate classification (germline): Uncertain significance (1 of 4 stars; one submission).

Conditions:
Oculofaciocardiodental syndrome (MCOPS2). Identifiers: Orphanet 2712, MedGen C1846265, MONDO:0010261, OMIM 300166.

Allele frequency attached by ClinVar (database versions not stated): gnomAD 0.00001; gnomAD exomes 0.00001; TOPMed 0.00001; ExAC 0.00002.

Submission:

Neuberg Centre For Genomic Medicine, NCGM
Classification: Uncertain significance for Oculofaciocardiodental syndrome. Review status: criteria provided, single submitter. Criteria: ACMG Guidelines, 2015. Collection method: clinical testing. Allele origin: germline. Inheritance: X-linked inheritance. Affected: yes.
Comment: The missense variant in c.112G>A (p.Ala38Thr) in BCOR gene has not been reported previously as a pathogenic variant nor as a benign variant, to our knowledge. The p.Ala38Thr variant is novel (not in any individuals) in 1000 Genomes and has allele frequency of 0.002180%. This variant has not been reported to the ClinVar database. The amino acid Ala at position 38 is changed to a Thr changing protein sequence and it might alter its composition and physico-chemical properties. The amino acid change p.Ala38Thr in BCOR is predicted as conserved by GERP++ and PhyloP across 100 vertebrates. For these reasons, this variant has been classified as Uncertain significance (VUS).